The following is an entry in ClinVar:

ClinVar aggregate classification (germline): Uncertain significance (1 of 4 stars; one submission).

Allele frequency attached by ClinVar (database versions not stated): gnomAD exomes below 0.00001; gnomAD 0.00001; ExAC 0.00002.
gnomAD v4.1: 4 of 1,613,840 alleles (0.00025%); highest among the groups gnomAD compares: Middle Eastern, 0.034%; no homozygotes.

Submission:

Labcorp Genetics (formerly Invitae), Labcorp
Classification: Uncertain significance. Last evaluated: 2025-06-12. Review status: criteria provided, single submitter. Criteria: Invitae Variant Classification Sherloc (09022015). Collection method: clinical testing. Allele origin: germline.
Comment: This sequence change replaces glycine, which is neutral and non-polar, with aspartic acid, which is acidic and polar, at codon 625 of the NUP133 protein (p.Gly625Asp). This variant is present in population databases (rs780956163, gnomAD 0.004%). This variant has not been reported in the literature in individuals affected with NUP133-related conditions. ClinVar contains an entry for this variant (Variation ID: 2880848). An algorithm developed to predict the effect of missense changes on protein structure and function outputs the following: PolyPhen-2: "Benign". The aspartic acid amino acid residue is found in multiple mammalian species, which suggests that this missense change does not adversely affect protein function. In summary, the available evidence is currently insufficient to determine the role of this variant in disease. Therefore, it has been classified as a Variant of Uncertain Significance.

NM_018230.3(NUP133):c.1874G>A (p.Gly625Asp)

Gene: NUP133 (nucleoporin 133; minus strand). Cytogenetic location: 1q42.13.
Variant type: single nucleotide variant.
Coding change: c.1874G>A on transcript NM_018230.3 (MANE Select); coding-DNA position 1874, G replaced by A.
Protein change: p.Gly625Asp; replaces glycine 625 with aspartic acid.
Molecular consequence: missense variant.
Genome position (GRCh38, 1-based): chr1:229,470,782, C>T on the plus strand (G>A on the coding strand, the complement: NUP133 is on the minus strand). VCF-style: chr1-229470782-C-T. GRCh37 (hg19) VCF-style: chr1-229606529-C-T.
Other names: short protein forms G625D.
Identifiers: ClinVar variation 2880848 (VCV002880848.3), dbSNP rs780956163, ClinGen allele CA1443419.